The following is an entry in ClinVar:

NM_000052.7(ATP7A):c.2607A>G (p.Val869=)

Gene: ATP7A (ATPase copper transporting alpha; plus strand). Cytogenetic location: Xq21.1.
Variant type: single nucleotide variant.
Coding change: c.2607A>G on transcript NM_000052.7 (MANE Select); coding-DNA position 2607, A replaced by G.
Protein change: p.Val869=; no amino-acid change (valine 869 retained).
Molecular consequence: synonymous variant.
Genome position (GRCh38, 1-based): chrX:78,015,862, A>G. VCF-style: chrX-78015862-A-G. GRCh37 (hg19) VCF-style: chrX-77271359-A-G.
Other names: c.2373A>G, p.Val791= (NM_001282224.2).
Identifiers: ClinVar variation 706154 (VCV000706154.18), dbSNP rs61053012, ClinGen allele CA10459300.

ClinVar aggregate classification (germline): Benign/Likely benign. Review status: criteria provided, multiple submitters, no conflicts (2 of 4 stars). 3 submissions from 3 submitters: Benign (1); Likely benign (1). 1 of the submissions does not count toward it. Last evaluated 2025-12-05.

Conditions:
Menkes kinky-hair syndrome (MNK). Also called: Menkes Disease; Classic Menkes Disease; Copper transport disease. Identifiers: Orphanet 565, MedGen C0022716, MONDO:0010651, OMIM 309400.
X-linked distal spinal muscular atrophy type 3. Also called: NEURONOPATHY, DISTAL HEREDITARY MOTOR, X-LINKED; NEUROPATHY, DISTAL HEREDITARY MOTOR, X-LINKED; ATP7A-Related Distal Motor Neuropathy; SPINAL MUSCULAR ATROPHY, DISTAL, X-LINKED RECESSIVE. Identifiers: Orphanet 139557, MedGen C1845359, MONDO:0010338, OMIM 300489.
Cutis laxa, X-linked (OHS). Also called: EDS IX; Occipital horn syndrome. Identifiers: Orphanet 198, MedGen C0268353, MONDO:0010572, OMIM 304150.

Allele frequency attached by ClinVar (database versions not stated): ExAC 0.00002; gnomAD exomes 0.00002 and 0.00003; TOPMed 0.00015; gnomAD 0.00018 and 0.00020; ESP Exome Variant Server 0.00019.
gnomAD v4.1: 38 of 1,210,379 alleles (0.0031%); highest among the groups gnomAD compares: African/African-American, 0.064%; no homozygotes.

Submissions (3):

Labcorp Genetics (formerly Invitae), Labcorp
Classification: Benign for X-linked distal spinal muscular atrophy type 3; Cutis laxa, X-linked; Menkes kinky-hair syndrome. Last evaluated: 2025-12-05. Review status: criteria provided, single submitter. Criteria: Invitae Variant Classification Sherloc (09022015). Collection method: clinical testing. Allele origin: germline.

CeGaT Center for Human Genetics Tuebingen
Classification: Likely benign. Last evaluated: 2025-11-01. Review status: criteria provided, single submitter. Criteria: CeGaT Center For Human Genetics Tuebingen Variant Classification Criteria Version 2. Collection method: clinical testing. Allele origin: germline. Affected: yes. Observed: 1 variant allele.
Comment: ATP7A: BP4, BP7, BS2

Natera, Inc.
Classification: Likely benign for Menkes kinky hair syndrome. Last evaluated: 2020-02-15. Review status: no assertion criteria provided. Collection method: clinical testing. Allele origin: germline. Not counted in ClinVar's aggregate classification.